The following is an entry in ClinVar:

NM_014520.4(MYBBP1A):c.2242C>A (p.Arg748Ser)

Gene: MYBBP1A (MYB binding protein 1a; minus strand). Cytogenetic location: 17p13.2.
Variant type: single nucleotide variant.
Coding change: c.2242C>A on transcript NM_014520.4 (MANE Select); coding-DNA position 2242, C replaced by A.
Protein change: p.Arg748Ser; replaces arginine 748 with serine.
Molecular consequence: missense variant.
Genome position (GRCh38, 1-based): chr17:4,545,094, G>T on the plus strand (C>A on the coding strand, the complement: MYBBP1A is on the minus strand). VCF-style: chr17-4545094-G-T. GRCh37 (hg19) VCF-style: chr17-4448389-G-T.
Other names: c.2242C>A, p.Arg748Ser (NM_001105538.2); short protein forms R748S.
Identifiers: ClinVar variation 782414 (VCV000782414.15), dbSNP rs72830101, ClinGen allele CA8304727.

ClinVar aggregate classification (germline): Benign. Review status: criteria provided, multiple submitters, no conflicts (2 of 4 stars). 3 submissions from 3 submitters: Benign (3). Last evaluated 2025-05-01.

Allele frequency attached by ClinVar (database versions not stated): 1000 Genomes Project 0.00200; 1000 Genomes Project 30x 0.00203; TOPMed 0.00569; ESP Exome Variant Server 0.00739.
gnomAD v4.1: 14,264 of 1,594,448 alleles (0.89%); highest among the groups gnomAD compares: Non-Finnish European, 1.1%; 81 homozygotes.

Submissions (3):

CeGaT Center for Human Genetics Tuebingen
Classification: Benign. Last evaluated: 2025-05-01. Review status: criteria provided, single submitter. Criteria: CeGaT Center For Human Genetics Tuebingen Variant Classification Criteria Version 2. Collection method: clinical testing. Allele origin: germline. Affected: yes. Observed: 1 variant allele.
Comment: MYBBP1A: BP4, BS1, BS2

Labcorp Genetics (formerly Invitae), Labcorp
Classification: Benign. Last evaluated: 2019-12-31. Review status: criteria provided, single submitter. Criteria: Invitae Variant Classification Sherloc (09022015). Collection method: clinical testing. Allele origin: germline.

Breakthrough Genomics
Classification: Benign. Review status: criteria provided, single submitter. Criteria: ACMG Guidelines, 2015. Collection method: not provided. Allele origin: germline. Inheritance: Unknown mechanism. Affected: yes.